The following is an entry in ClinVar:

NM_000138.5(FBN1):c.*2158G>A

Gene: FBN1 (fibrillin 1; minus strand). Cytogenetic location: 15q21.1.
Variant type: single nucleotide variant.
Coding change: c.*2158G>A on transcript NM_000138.5 (MANE Select); 2158 bases downstream of the stop codon, G replaced by A.
Molecular consequence: 3 prime UTR variant.
Genome position (GRCh38, 1-based): chr15:48,408,832, C>T on the plus strand (G>A on the coding strand, the complement: FBN1 is on the minus strand). VCF-style: chr15-48408832-C-T. GRCh37 (hg19) VCF-style: chr15-48701029-C-T.
Identifiers: ClinVar variation 316310 (VCV000316310.9), dbSNP rs11070641, ClinGen allele CA10642078.

ClinVar aggregate classification (germline): Benign. Review status: criteria provided, multiple submitters, no conflicts (2 of 4 stars). 9 submissions from 3 submitters: Benign (9). Last evaluated 2021-05-11.

Conditions:
Stiff skin syndrome (SSKS). Identifiers: Orphanet 2833, MedGen C1861456, MONDO:0008492, OMIM 184900.
Marfan syndrome (MFS). Also called: Marfan syndrome type 1; Marfan's syndrome; MARFAN SYNDROME, TYPE I; Marfan syndrome, classic; FBN1-Related Marfan Syndrome. Identifiers: Orphanet 284963, Orphanet 558, MedGen C0024796, MONDO:0007947, OMIM 154700.
Geleophysic dysplasia. Identifiers: Orphanet 2623, MedGen C3489726, MONDO:0000127.
Familial thoracic aortic aneurysm and aortic dissection (TAAD). Also called: Thoracic aortic aneurysms and dissections. Identifiers: Orphanet 91387, MedGen C4707243, MONDO:0019625.
Acromicric dysplasia (ACMICD). Also called: Acromicric skeletal dysplasia. Identifiers: Orphanet 969, MedGen C0265287, MONDO:0007055, OMIM 102370.
Ectopia lentis 1, isolated, autosomal dominant (ECTOL1). Identifiers: Orphanet 1885, MedGen C3541518, MONDO:0007514, OMIM 129600.
Weill-Marchesani syndrome. Also called: WM Syndrome; Mesodermal dysmorphodystrophy congenital. Identifiers: Orphanet 3449, MedGen C0265313, MONDO:0018096.

Allele frequency attached by ClinVar (database versions not stated): gnomAD 0.75699 and 0.75090; gnomAD exomes 0.71117; TOPMed 0.75677; 1000 Genomes Project 30x 0.77701; 1000 Genomes Project 0.78235.
gnomAD v4.1: 115,382 of 152,508 alleles (76%); highest among the groups gnomAD compares: East Asian, 89%; 43,875 homozygotes.

Submissions (9):

GeneDx
Classification: Benign. Last evaluated: 2021-05-11. Review status: criteria provided, single submitter. Criteria: GeneDx Variant Classification Process June 2021. Collection method: clinical testing. Allele origin: germline. Affected: yes.

Illumina Laboratory Services, Illumina
Classification: Benign for Geleophysic dysplasia. Last evaluated: 2018-01-12. Review status: criteria provided, single submitter. Criteria: ICSL Variant Classification Criteria 13 December 2019. Collection method: clinical testing. Allele origin: germline.
Comment: This variant was observed in the ICSL laboratory as part of a predisposition screen in an ostensibly healthy population. It had not been previously curated by ICSL or reported in the Human Gene Mutation Database (HGMD: prior to June 1st, 2018), and was therefore a candidate for classification through an automated scoring system. Utilizing variant allele frequency, disease prevalence and penetrance estimates, and inheritance mode, an automated score was calculated to assess if this variant is too frequent to cause the disease. Based on the score and internal cut-off values, a variant classified as benign is not then subjected to further curation. The score for this variant resulted in a classification of benign for this disease.

Illumina Laboratory Services, Illumina
Classification: Benign for Stiff skin syndrome. Last evaluated: 2018-01-12. Review status: criteria provided, single submitter. Criteria: ICSL Variant Classification Criteria 13 December 2019. Collection method: clinical testing. Allele origin: germline.
Comment: the same text as in the submission from Illumina Laboratory Services, Illumina above.

Illumina Laboratory Services, Illumina
Classification: Benign for Weill-Marchesani syndrome. Last evaluated: 2018-01-12. Review status: criteria provided, single submitter. Criteria: ICSL Variant Classification Criteria 13 December 2019. Collection method: clinical testing. Allele origin: germline.
Comment: the same text as in the submission from Illumina Laboratory Services, Illumina above.

Illumina Laboratory Services, Illumina
Classification: Benign for Marfan syndrome. Last evaluated: 2018-01-12. Review status: criteria provided, single submitter. Criteria: ICSL Variant Classification Criteria 13 December 2019. Collection method: clinical testing. Allele origin: germline.
Comment: the same text as in the submission from Illumina Laboratory Services, Illumina above.

Illumina Laboratory Services, Illumina
Classification: Benign for Ectopia lentis 1, isolated, autosomal dominant. Last evaluated: 2018-01-12. Review status: criteria provided, single submitter. Criteria: ICSL Variant Classification Criteria 13 December 2019. Collection method: clinical testing. Allele origin: germline.
Comment: the same text as in the submission from Illumina Laboratory Services, Illumina above.

Illumina Laboratory Services, Illumina
Classification: Benign for Familial thoracic aortic aneurysm and aortic dissection. Last evaluated: 2018-01-12. Review status: criteria provided, single submitter. Criteria: ICSL Variant Classification Criteria 13 December 2019. Collection method: clinical testing. Allele origin: germline.
Comment: the same text as in the submission from Illumina Laboratory Services, Illumina above.

Illumina Laboratory Services, Illumina
Classification: Benign for Acromicric dysplasia. Last evaluated: 2018-01-12. Review status: criteria provided, single submitter. Criteria: ICSL Variant Classification Criteria 13 December 2019. Collection method: clinical testing. Allele origin: germline.
Comment: the same text as in the submission from Illumina Laboratory Services, Illumina above.

Breakthrough Genomics
Classification: Benign. Review status: criteria provided, single submitter. Criteria: ACMG Guidelines, 2015. Collection method: not provided. Allele origin: germline. Inheritance: Autosomal dominant inheritance. Affected: yes.